The following is an entry in ClinVar:

NM_018060.4(IARS2):c.2575T>C (p.Phe859Leu)

Gene: IARS2 (isoleucyl-tRNA synthetase 2, mitochondrial; plus strand). Cytogenetic location: 1q41.
Variant type: single nucleotide variant.
Coding change: c.2575T>C on transcript NM_018060.4 (MANE Select); coding-DNA position 2575, T replaced by C.
Protein change: p.Phe859Leu; replaces phenylalanine 859 with leucine.
Molecular consequence: missense variant.
Genome position (GRCh38, 1-based): chr1:220,142,958, T>C. VCF-style: chr1-220142958-T-C. GRCh37 (hg19) VCF-style: chr1-220316300-T-C.
Other names: short protein forms F859L.
Identifiers: ClinVar variation 1399217 (VCV001399217.5), dbSNP rs199840959, ClinGen allele CA1401814.

ClinVar aggregate classification (germline): Uncertain significance (1 of 4 stars; one submission).

Allele frequency attached by ClinVar (database versions not stated): gnomAD exomes 0.00002 and 0.00016; gnomAD 0.00006; TOPMed 0.00008; 1000 Genomes Project 0.00020; ExAC 0.00020; 1000 Genomes Project 30x 0.00031.
gnomAD v4.1: 36 of 1,610,430 alleles (0.0022%); highest among the groups gnomAD compares: East Asian, 0.074%; no homozygotes.

Submission:

Labcorp Genetics (formerly Invitae), Labcorp
Classification: Uncertain significance. Last evaluated: 2021-10-14. Review status: criteria provided, single submitter. Criteria: Invitae Variant Classification Sherloc (09022015). Collection method: clinical testing. Allele origin: germline.
Comment: This sequence change replaces phenylalanine with leucine at codon 859 of the IARS2 protein (p.Phe859Leu). The phenylalanine residue is moderately conserved and there is a small physicochemical difference between phenylalanine and leucine. This variant is present in population databases (rs199840959, ExAC 0.3%). This missense change has been observed in individual(s) with pediatric cataracts (PMID: 29914532). Algorithms developed to predict the effect of missense changes on protein structure and function are either unavailable or do not agree on the potential impact of this missense change (SIFT: "Tolerated"; PolyPhen-2: "Probably Damaging"; Align-GVGD: "Class C0"). In summary, the available evidence is currently insufficient to determine the role of this variant in disease. Therefore, it has been classified as a Variant of Uncertain Significance.

Literature cited by the submitters: PubMed 29914532.